The following is an entry in ClinVar:

ClinVar aggregate classification (germline): Conflicting classifications of pathogenicity. Review status: criteria provided, conflicting classifications (1 of 4 stars). 4 submissions from 4 submitters: Uncertain significance (2); Likely benign (2). Last evaluated 2025-11-12.

Conditions:
Cryopyrin associated periodic syndrome (CAPS). Identifiers: Orphanet 208650, MedGen C2316212, MONDO:0016168.
Inborn genetic diseases. Identifiers: MedGen C0950123, MeSH D030342.
Chronic infantile neurological, cutaneous and articular syndrome (CINCA). Also called: CINCA syndrome; CRYOPYRIN-ASSOCIATED PERIODIC SYNDROME 3; CHRONIC NEUROLOGIC CUTANEOUS AND ARTICULAR SYNDROME; Prieur Griscelli syndrome. Identifiers: Orphanet 1451, MedGen C0409818, MONDO:0011776, OMIM 607115.
Keratitis fugax hereditaria. Also called: KERATOENDOTHELIITIS FUGAX HEREDITARIA. Identifiers: Orphanet 647815, MedGen C1835697, MONDO:0007849, OMIM 148200.
Familial amyloid nephropathy with urticaria AND deafness (MWS). Also called: UDA SYNDROME; URTICARIA-DEAFNESS-AMYLOIDOSIS SYNDROME; CRYOPYRIN-ASSOCIATED PERIODIC SYNDROME 2; MUCKLE-WELLS SYNDROME; Urticaria, deafness and amyloidosis. Identifiers: Orphanet 575, MedGen C0268390, MONDO:0008633, OMIM 191900.
Familial cold autoinflammatory syndrome 1 (FCAS1). Also called: Familial cold inflammatory syndrome 1; CRYOPYRIN-ASSOCIATED PERIODIC SYNDROME 1. Identifiers: Orphanet 47045, MedGen C4551895, MONDO:0007349, OMIM 120100.
Hearing loss, autosomal dominant 34, with or without inflammation. Also called: DEAFNESS, AUTOSOMAL DOMINANT 34, WITH OR WITHOUT INFLAMMATION. Identifiers: MedGen C4521680, MONDO:0033261, OMIM 617772.

Allele frequency attached by ClinVar (database versions not stated): TOPMed 0.00002; gnomAD exomes 0.00003 and 0.00007; ExAC 0.00008.
gnomAD v4.1: 17 of 1,613,750 alleles (0.0011%); highest among the groups gnomAD compares: Admixed American, 0.028%; no homozygotes.

Submissions (4):

Labcorp Genetics (formerly Invitae), Labcorp
Classification: Likely benign for Cryopyrin associated periodic syndrome. Last evaluated: 2025-11-12. Review status: criteria provided, single submitter. Criteria: Invitae Variant Classification Sherloc (09022015). Collection method: clinical testing. Allele origin: germline.

GeneDx
Classification: Uncertain significance. Last evaluated: 2024-12-12. Review status: criteria provided, single submitter. Criteria: GeneDx Variant Classification Process June 2021. Collection method: clinical testing. Allele origin: germline. Affected: yes.
Comment: In silico analysis indicates that this missense variant does not alter protein structure/function; Has not been previously published as pathogenic or benign to our knowledge; Also known as p.(V758A)

Ambry Genetics
Classification: Likely benign for Inborn genetic diseases. Last evaluated: 2024-09-26. Review status: criteria provided, single submitter. Criteria: Ambry Variant Classification Scheme 2023. Collection method: clinical testing. Allele origin: germline.

Fulgent Genetics
Classification: Uncertain significance for Familial cold autoinflammatory syndrome 1; Keratitis fugax hereditaria; Familial amyloid nephropathy with urticaria AND deafness; Chronic infantile neurological, cutaneous and articular syndrome; Hearing loss, autosomal dominant 34, with or without inflammation. Last evaluated: 2021-07-08. Review status: criteria provided, single submitter. Criteria: ACMG Guidelines, 2015. Collection method: clinical testing. Allele origin: unknown.

NM_001243133.2(NLRP3):c.2273T>C (p.Val758Ala)

Gene: NLRP3 (NLR family pyrin domain containing 3; plus strand). Cytogenetic location: 1q44.
Variant type: single nucleotide variant.
Coding change: c.2273T>C on transcript NM_001243133.2 (MANE Select); coding-DNA position 2273, T replaced by C.
Protein change: p.Val758Ala; replaces valine 758 with alanine.
Molecular consequence: missense variant. On other transcripts: intron variant (2).
Genome position (GRCh38, 1-based): chr1:247,429,707, T>C. VCF-style: chr1-247429707-T-C. GRCh37 (hg19) VCF-style: chr1-247593009-T-C.
Other names: c.2273T>C, p.Val758Ala (NM_001079821.3, NM_001127461.3); c.2279T>C, p.Val760Ala (NM_004895.5); c.2150+4108T>C (NM_001127462.3, NM_183395.3); short protein forms V758A, V760A.
Identifiers: ClinVar variation 1446237 (VCV001446237.10), dbSNP rs770791406, ClinGen allele CA1495164.